The following is an entry in ClinVar:

ClinVar aggregate classification (germline): Pathogenic (1 of 4 stars; one submission).

Allele frequency attached by ClinVar (database versions not stated): gnomAD exomes below 0.00001; gnomAD 0.00003 and 0.00004; TOPMed 0.00003.
gnomAD v4.1: 7 of 1,606,970 alleles (0.00044%); highest among the groups gnomAD compares: Admixed American, 0.01%; no homozygotes.

Submission:

Labcorp Genetics (formerly Invitae), Labcorp
Classification: Pathogenic. Last evaluated: 2025-07-20. Review status: criteria provided, single submitter. Criteria: Invitae Variant Classification Sherloc (09022015). Collection method: clinical testing. Allele origin: germline.
Comment: This sequence change creates a premature translational stop signal (p.Ser2309*) in the MYO18B gene. It is expected to result in an absent or disrupted protein product. Loss-of-function variants in MYO18B are known to be pathogenic (PMID: 25748484, 32184166, 32637634). This variant is present in population databases (no rsID available, gnomAD no frequency). This variant has not been reported in the literature in individuals affected with MYO18B-related conditions. ClinVar contains an entry for this variant (Variation ID: 1411912). For these reasons, this variant has been classified as Pathogenic.

Literature cited by the submitters: PubMed 25748484; PubMed 32184166; PubMed 32637634.

NM_032608.7(MYO18B):c.6926C>G (p.Ser2309Ter)

Gene: MYO18B (myosin XVIIIB; plus strand). Cytogenetic location: 22q12.1.
Variant type: single nucleotide variant.
Coding change: c.6926C>G on transcript NM_032608.7 (MANE Select); coding-DNA position 6926, C replaced by G.
Protein change: p.Ser2309Ter; replaces serine 2309 with a stop codon.
Molecular consequence: nonsense.
Genome position (GRCh38, 1-based): chr22:26,026,900, C>G. VCF-style: chr22-26026900-C-G. GRCh37 (hg19) VCF-style: chr22-26422866-C-G.
Other names: c.6929C>G, p.Ser2310Ter (NM_001318245.2); short protein forms S2310*, S2309*.
Identifiers: ClinVar variation 1411912 (VCV001411912.6), dbSNP rs1215395028, ClinGen allele CA411011384.